The following is an entry in ClinVar:

ClinVar aggregate classification (germline): Uncertain significance. Review status: criteria provided, multiple submitters, no conflicts (2 of 4 stars). 6 submissions from 6 submitters: Uncertain significance (6). Last evaluated 2025-11-03.

Conditions:
Hereditary cancer-predisposing syndrome. Also called: Hereditary Cancer Syndrome; Neoplastic Syndromes, Hereditary; Tumor predisposition; Hereditary neoplastic syndrome. Identifiers: Orphanet 140162, MedGen C0027672, MeSH D009386, MONDO:0015356.
Familial adenomatous polyposis 2. Also called: Adenomas, multiple colorectal; COLORECTAL ADENOMATOUS POLYPOSIS, AUTOSOMAL RECESSIVE; MYH-associated polyposis; FAP type 2; MUTYH-associated polyposis; MUTYH-related attenuated familial adenomatous polyposis. Identifiers: Orphanet 220460, Orphanet 247798, MedGen C3272841, MONDO:0012041, OMIM 608456.

gnomAD v4.1: 8 of 1,613,858 alleles (0.0005%); highest among the groups gnomAD compares: Non-Finnish European, 0.00059%; no homozygotes.

Submissions (6):

Ambry Genetics
Classification: Uncertain significance for Hereditary cancer-predisposing syndrome. Last evaluated: 2025-11-03. Review status: criteria provided, single submitter. Criteria: Ambry Variant Classification Scheme 2023. Collection method: clinical testing. Allele origin: germline.
Comment: The p.R10P variant (also known as c.29G>C), located in coding exon 1 of the MUTYH gene, results from a G to C substitution at nucleotide position 29. The arginine at codon 10 is replaced by proline, an amino acid with dissimilar properties. This amino acid position is poorly conserved in available vertebrate species. In addition, this alteration is predicted to be tolerated by in silico analysis. Based on the available evidence, the clinical significance of this variant remains unclear.

Labcorp Genetics (formerly Invitae), Labcorp
Classification: Uncertain significance for Familial adenomatous polyposis 2. Last evaluated: 2025-01-11. Review status: criteria provided, single submitter. Criteria: Invitae Variant Classification Sherloc (09022015). Collection method: clinical testing. Allele origin: germline.
Comment: This sequence change replaces arginine, which is basic and polar, with proline, which is neutral and non-polar, at codon 10 of the MUTYH protein (p.Arg10Pro). This variant is present in population databases (rs755928199, gnomAD 0.0009%). This variant has not been reported in the literature in individuals affected with MUTYH-related conditions. ClinVar contains an entry for this variant (Variation ID: 492030). An algorithm developed to predict the effect of missense changes on protein structure and function (PolyPhen-2) suggests that this variant¬†is likely to be tolerated. In summary, the available evidence is currently insufficient to determine the role of this variant in disease. Therefore, it has been classified as a Variant of Uncertain Significance.

GeneDx
Classification: Uncertain significance. Last evaluated: 2024-08-07. Review status: criteria provided, single submitter. Criteria: GeneDx Variant Classification Process June 2021. Collection method: clinical testing. Allele origin: germline. Affected: yes.
Comment: Not observed at significant frequency in large population cohorts (gnomAD); In silico analysis indicates that this missense variant does not alter protein structure/function; Has not been previously published as pathogenic or benign to our knowledge; This variant is associated with the following publications: (PMID: 23108399)

All of Us Research Program, National Institutes of Health
Classification: Uncertain significance for Familial adenomatous polyposis 2. Last evaluated: 2023-09-05. Review status: criteria provided, single submitter. Criteria: ACMG Guidelines, 2015. Collection method: clinical testing. Allele origin: germline. Inheritance: Autosomal recessive inheritance. Observed: 2 variant alleles, 2 heterozygotes.
Comment: This study involves interpretation of variants in research participants for the purpose of population health screening. Participant phenotype was not available at the time of variant classification. Additional details can be found in publication PMID: 35346344, PMCID: PMC8962531

Baylor Genetics
Classification: Uncertain significance for Familial adenomatous polyposis 2. Last evaluated: 2023-05-24. Review status: criteria provided, single submitter. Criteria: ACMG Guidelines, 2015. Collection method: clinical testing. Allele origin: unknown.

Color Diagnostics, LLC DBA Color Health
Classification: Uncertain significance for Hereditary cancer-predisposing syndrome. Last evaluated: 2019-03-06. Review status: criteria provided, single submitter. Criteria: ACMG Guidelines, 2015. Collection method: clinical testing. Allele origin: germline.

NM_001128425.2(MUTYH):c.29G>C (p.Arg10Pro)

Genes: MUTYH (mutY DNA glycosylase; minus strand), TOE1 (target of EGR1, exonuclease; plus strand). Cytogenetic location: 1p34.1.
Variant type: single nucleotide variant.
Coding change: c.29G>C on transcript NM_001128425.2 (MANE Plus Clinical); coding-DNA position 29, G replaced by C.
Protein change: p.Arg10Pro; replaces arginine 10 with proline.
Molecular consequence: missense variant. On other transcripts: 5 prime UTR variant (8), non-coding transcript variant (3).
Genome position (GRCh38, 1-based): chr1:45,340,226, C>G on the plus strand (G>C on the coding strand, the complement: MUTYH is on the minus strand). VCF-style: chr1-45340226-C-G. GRCh37 (hg19) VCF-style: chr1-45805898-C-G.
Other names: c.-27C>G (NM_025077.4); c.-14G>C (NM_001048171.2); c.29G>C, p.Arg10Pro (NM_001293190.2, NM_001407069.1, NM_001407073.1 and 1 more transcripts); c.-226G>C (NM_001293192.2); c.-285G>C (NM_001350650.2); c.-221G>C (NM_001350651.2); c.-30G>C (NM_001407070.1, NM_001407071.1); c.-10G>C (NM_001407072.1); short protein forms R10P.
Identifiers: ClinVar variation 492030 (VCV000492030.18), dbSNP rs755928199, ClinGen allele CA089469.
Genomic context (GRCh38, chr1:45,340,226, plus strand): 5'-CCATCCCCGACTGCCTGAACCGCGCCAGGAGACGGACCGCAAGTCCAGCGTACCCACAGA[C>G]GACTCAGGCGGGAGACGAGCGGTGTCATGGCCGCCGACAGTGACGATGGCGCAGTTTCAG-3'
Protein context (NP_001121897.1, residues 1-20): MTPLVSRLS[Arg10Pro]LWAIMRKPRA